The following is an entry in ClinVar:

NM_003072.5(SMARCA4):c.1419+8C>T

Gene: SMARCA4 (SWI/SNF related BAF chromatin remodeling complex subunit ATPase 4; plus strand). Cytogenetic location: 19p13.2.
Variant type: single nucleotide variant.
Coding change: c.1419+8C>T on transcript NM_003072.5 (MANE Select); 8 bases into the intron after coding-DNA position 1419, C replaced by T.
Molecular consequence: intron variant.
Genome position (GRCh38, 1-based): chr19:10,991,331, C>T. VCF-style: chr19-10991331-C-T. GRCh37 (hg19) VCF-style: chr19-11102007-C-T.
Other names: c.1419+8C>T (NM_001128849.2, NM_001128844.3, NM_001128849.3 and 6 more transcripts).
Identifiers: ClinVar variation 126357 (VCV000126357.30), dbSNP rs115492175, ClinGen allele CA151107.

ClinVar aggregate classification (germline): Benign/Likely benign. Review status: criteria provided, multiple submitters, no conflicts (2 of 4 stars). 11 submissions from 11 submitters: Benign (9); Likely benign (1). 1 of the submissions does not count toward it. Last evaluated 2026-07-10.

Conditions:
Coffin-Siris syndrome. Identifiers: Orphanet 1465, MedGen C0265338, MONDO:0015452.
Hereditary cancer-predisposing syndrome. Also called: Neoplastic Syndromes, Hereditary; Tumor predisposition; Hereditary neoplastic syndrome; Hereditary Cancer Syndrome. Identifiers: Orphanet 140162, MedGen C0027672, MeSH D009386, MONDO:0015356.
Rhabdoid tumor predisposition syndrome 2 (RTPS2). Identifiers: Orphanet 231108, Orphanet 69077, MedGen C2750074, MONDO:0013224, OMIM 613325.
Intellectual disability, autosomal dominant 16 (CSS4). Also called: COFFIN-SIRIS SYNDROME 4. Identifiers: Orphanet 1465, MedGen C3553249, MONDO:0013821, OMIM 614609.

Allele frequency attached by ClinVar (database versions not stated): ExAC 0.00625; 1000 Genomes Project 0.01098; gnomAD 0.01292 and 0.01202; TOPMed 0.01348; ESP Exome Variant Server 0.01303; gnomAD exomes 0.00116 and 0.00299; 1000 Genomes Project 30x 0.01280.
gnomAD v4.1: 3,557 of 1,582,676 alleles (0.22%); highest among the groups gnomAD compares: African/African-American, 4.3%; 74 homozygotes.

Submissions (11):

Myriad Genetics, Inc.
Classification: Benign for Rhabdoid tumor predisposition syndrome 2. Last evaluated: 2026-07-10. Review status: criteria provided, single submitter. Criteria: Myriad Autosomal Dominant, Autosomal Recessive and X-Linked Classification Criteria (2023). Collection method: clinical testing. Allele origin: unknown.
Comment: This variant is considered benign. This variant is intronic and is not expected to impact mRNA splicing. This variant has been observed at a population frequency that is significantly greater than expected given the associated disease prevalence and penetrance.

Labcorp Genetics (formerly Invitae), Labcorp
Classification: Benign for Rhabdoid tumor predisposition syndrome 2. Last evaluated: 2026-02-04. Review status: criteria provided, single submitter. Criteria: Invitae Variant Classification Sherloc (09022015). Collection method: clinical testing. Allele origin: germline.

Dasa
Classification: Benign. Last evaluated: 2025-11-21. Review status: criteria provided, single submitter. Criteria: DASA Assertion Criteria. Collection method: clinical testing. Allele origin: germline.
Comment: NM_003072.5(SMARCA4):c.1419+8C>T is a splice-region variant. Population frequency is inconsistent with a disease-causing role for this variant, and observations in unaffected individuals support a benign interpretation. Computational prediction algorithms are consistent with a benign effect. Therefore, based on the currently available evidence, this variant is classified as benign.

Quest Diagnostics Nichols Institute San Juan Capistrano
Classification: Benign. Last evaluated: 2025-07-01. Review status: criteria provided, single submitter. Criteria: Quest Diagnostics criteria. Collection method: clinical testing. Allele origin: unknown.

ARUP Laboratories, Molecular Genetics and Genomics, ARUP Laboratories
Classification: Benign. Last evaluated: 2025-06-27. Review status: criteria provided, single submitter. Criteria: ARUP Molecular Germline Variant Investigation Process 2024. Collection method: clinical testing. Allele origin: germline.

Fulgent Genetics
Classification: Likely benign for Rhabdoid tumor predisposition syndrome 2; Intellectual disability, autosomal dominant 16. Last evaluated: 2021-11-10. Review status: criteria provided, single submitter. Criteria: ACMG Guidelines, 2015. Collection method: clinical testing. Allele origin: unknown.

Genome-Nilou Lab
Classification: Benign for Intellectual disability, autosomal dominant 16. Last evaluated: 2021-07-15. Review status: criteria provided, single submitter. Criteria: ACMG Guidelines, 2015. Collection method: clinical testing. Allele origin: germline. Affected: no.

Illumina Laboratory Services, Illumina
Classification: Benign for Coffin-Siris syndrome. Last evaluated: 2018-01-12. Review status: criteria provided, single submitter. Criteria: ICSL Variant Classification Criteria 13 December 2019. Collection method: clinical testing. Allele origin: germline.
Comment: This variant was observed in the ICSL laboratory as part of a predisposition screen in an ostensibly healthy population. It had not been previously curated by ICSL or reported in the Human Gene Mutation Database (HGMD: prior to June 1st, 2018), and was therefore a candidate for classification through an automated scoring system. Utilizing variant allele frequency, disease prevalence and penetrance estimates, and inheritance mode, an automated score was calculated to assess if this variant is too frequent to cause the disease. Based on the score and internal cut-off values, a variant classified as benign is not then subjected to further curation. The score for this variant resulted in a classification of benign for this disease.

GeneDx
Classification: Benign. Last evaluated: 2016-11-09. Review status: criteria provided, single submitter. Criteria: GeneDx Variant Classification (06012015). Collection method: clinical testing. Allele origin: germline. Affected: yes.
Comment: This variant is considered likely benign or benign based on one or more of the following criteria: it is a conservative change, it occurs at a poorly conserved position in the protein, it is predicted to be benign by multiple in silico algorithms, and/or has population frequency not consistent with disease.

Ambry Genetics
Classification: Benign for Hereditary cancer-predisposing syndrome. Last evaluated: 2015-05-20. Review status: criteria provided, single submitter. Criteria: Ambry Variant Classification Scheme 2023. Collection method: clinical testing. Allele origin: germline.

Genetic Services Laboratory, University of Chicago
Classification: Likely benign for AllHighlyPenetrant. Review status: no assertion criteria provided. Collection method: clinical testing. Allele origin: germline. Inheritance: Autosomal dominant inheritance. Observed: 2 variant alleles. Not counted in ClinVar's aggregate classification.
Comment: Likely benign based on allele frequency in 1000 Genomes Project or ESP global frequency and its presence in a patient with a rare or unrelated disease phenotype. NOT Sanger confirmed.